The following is an entry in ClinVar:

ClinVar aggregate classification (germline): Uncertain significance. Review status: criteria provided, multiple submitters, no conflicts (2 of 4 stars). 2 submissions from 2 submitters: Uncertain significance (2). Last evaluated 2025-08-18.

Conditions:
Inborn genetic diseases. Identifiers: MedGen C0950123, MeSH D030342.
Aortic valve disease 2 (AOVD2). Identifiers: MedGen C3542024, MONDO:0013902, OMIM 614823.

Allele frequency attached by ClinVar (database versions not stated): gnomAD 0.00001; TOPMed 0.00002.
gnomAD v4.1: 29 of 1,613,930 alleles (0.0018%); highest among the groups gnomAD compares: Non-Finnish European, 0.0021%; no homozygotes.

Submissions (2):

Labcorp Genetics (formerly Invitae), Labcorp
Classification: Uncertain significance for Aortic valve disease 2. Last evaluated: 2025-08-18. Review status: criteria provided, single submitter. Criteria: Invitae Variant Classification Sherloc (09022015). Collection method: clinical testing. Allele origin: germline.
Comment: This sequence change replaces proline, which is neutral and non-polar, with serine, which is neutral and polar, at codon 278 of the SMAD6 protein (p.Pro278Ser). This variant is present in population databases (no rsID available, gnomAD 0.002%). This variant has not been reported in the literature in individuals affected with SMAD6-related conditions. ClinVar contains an entry for this variant (Variation ID: 1762956). Invitae Evidence Modeling of protein sequence and biophysical properties (such as structural, functional, and spatial information, amino acid conservation, physicochemical variation, residue mobility, and thermodynamic stability) indicates that this missense variant is not expected to disrupt SMAD6 protein function with a negative predictive value of 80%. In summary, the available evidence is currently insufficient to determine the role of this variant in disease. Therefore, it has been classified as a Variant of Uncertain Significance.

Ambry Genetics
Classification: Uncertain significance for Inborn genetic diseases. Last evaluated: 2025-06-28. Review status: criteria provided, single submitter. Criteria: Ambry Variant Classification Scheme 2023. Collection method: clinical testing. Allele origin: germline.
Comment: The p.P278S variant (also known as c.832C>T), located in coding exon 2 of the SMAD6 gene, results from a C to T substitution at nucleotide position 832. The proline at codon 278 is replaced by serine, an amino acid with similar properties. This amino acid position is conserved. In addition, this alteration is predicted to be deleterious by in silico analysis. Since supporting evidence is limited at this time, the clinical significance of this alteration remains unclear.

NM_005585.5(SMAD6):c.832C>T (p.Pro278Ser)

Gene: SMAD6 (SMAD family member 6; plus strand). Cytogenetic location: 15q22.31.
Variant type: single nucleotide variant.
Coding change: c.832C>T on transcript NM_005585.5 (MANE Select); coding-DNA position 832, C replaced by T.
Protein change: p.Pro278Ser; replaces proline 278 with serine.
Molecular consequence: missense variant. On other transcripts: non-coding transcript variant (1).
Genome position (GRCh38, 1-based): chr15:66,711,682, C>T. VCF-style: chr15-66711682-C-T. GRCh37 (hg19) VCF-style: chr15-67004020-C-T.
Other names: short protein forms P278S.
Identifiers: ClinVar variation 1762956 (VCV001762956.9), dbSNP rs1425590093, ClinGen allele CA392951058.
Genomic context (GRCh38, chr15:66,711,682, plus strand): 5'-TGAGCTCCCCAACCCTGGCAGTGACATGCTGTCTCCTGTCTTCCAGAATCTCCGCCACCT[C>T]CCTACTCTCGGCTGTCTCCTCGCGACGAGTACAAGCCACTGGGTAAGTGTGCCCTCCTTC-3'
Protein context (NP_005576.3, residues 268-288): RLCGPESPPP[Pro278Ser]YSRLSPRDEY